The following is an entry in ClinVar:

NM_007294.4(BRCA1):c.237T>A (p.Phe79Leu)

Gene: BRCA1 (BRCA1 DNA repair associated; minus strand). Cytogenetic location: 17q21.31.
Variant type: single nucleotide variant.
Coding change: c.237T>A on transcript NM_007294.4 (MANE Select); coding-DNA position 237, T replaced by A.
Protein change: p.Phe79Leu; replaces phenylalanine 79 with leucine.
Molecular consequence: missense variant. On other transcripts: non-coding transcript variant (1).
Genome position (GRCh38, 1-based): chr17:43,104,932, A>T on the plus strand (T>A on the coding strand, the complement: BRCA1 is on the minus strand). VCF-style: chr17-43104932-A-T. GRCh37 (hg19) VCF-style: chr17-41256949-A-T.
Other names: c.27T>A, p.Phe9Leu (NM_001407571.1, NM_001407853.1, NM_001407879.1 and 58 more transcripts); c.237T>A, p.Phe79Leu (NM_001407581.1, NM_001407582.1, NM_001407583.1 and 168 more transcripts); c.159T>A, p.Phe53Leu (NM_001407653.1, NM_001407654.1, NM_001407655.1 and 21 more transcripts); c.96T>A, p.Phe32Leu (NM_001407692.1, NM_001407694.1, NM_001407695.1 and 99 more transcripts); c.-145T>A (NM_001407959.1, NM_001407960.1, NM_001407962.1 and 4 more transcripts); c.105T>A, p.Phe35Leu (NM_001408451.1); short protein forms F79L, F32L, F9L, F35L, F53L.
Identifiers: ClinVar variation 865309 (VCV000865309.4), dbSNP rs2054691161, ClinGen allele CA10601685.

ClinVar aggregate classification (germline): Uncertain significance (1 of 4 stars; one submission).

Submissions (2):

Women's Health and Genetics/Laboratory Corporation of America, LabCorp
Classification: Uncertain significance. Last evaluated: 2020-11-02. Review status: criteria provided, single submitter. Criteria: LabCorp Variant Classification Summary - May 2015. Collection method: clinical testing. Allele origin: germline.
Comment: Variant summary: BRCA1 c.237T>A (p.Phe79Leu) results in a non-conservative amino acid change in the encoded protein sequence. Four of five in-silico tools predict a damaging effect of the variant on protein function. The variant was absent in 251192 control chromosomes. The available data on variant occurrences in the general population are insufficient to allow any conclusion about variant significance. To our knowledge, no occurrence of c.237T>A in individuals affected with Hereditary Breast And Ovarian Cancer Syndrome has been reported. At least one publication reports experimental evidence evaluating an impact on protein function (Findlay_2018). These results showed no damaging effect of this variant on homology directed repair activity in-vitro (HDR). No clinical diagnostic laboratories have submitted clinical-significance assessments for this variant to ClinVar after 2014. Based on the evidence outlined above, the variant was classified as uncertain significance.

Brotman Baty Institute, University of Washington
No classification provided (evidence only). Condition: Breast-ovarian cancer, familial 1. Review status: no classification provided. Collection method: in vitro. Allele origin: not applicable. Functional consequence: functionally_normal. Not counted in ClinVar's aggregate classification.
ClinVar note: "not provided" was previously submitted as the classification for the variant. However, the classification appeared to be based only on an observation of functional data so it was converted to no classification on 2025-07-30.

Literature cited by the submitters: PubMed 30209399 (cited by Women's Health and Genetics/Laboratory Corporation of America, LabCorp).